The following is an entry in ClinVar:

ClinVar aggregate classification (germline): Uncertain significance (1 of 4 stars; one submission).

Conditions:
Cardiovascular phenotype. Identifiers: MedGen CN230736.

Submission:

Ambry Genetics
Classification: Uncertain significance for Cardiovascular phenotype. Last evaluated: 2024-09-25. Review status: criteria provided, single submitter. Criteria: Ambry Variant Classification Scheme 2023. Collection method: clinical testing. Allele origin: germline.
Comment: The p.G626E variant (also known as c.1877G>A), located in coding exon 14 of the MYH7 gene, results from a G to A substitution at nucleotide position 1877. The glycine at codon 626 is replaced by glutamic acid, an amino acid with similar properties. This amino acid position is well conserved in available vertebrate species. In addition, this alteration is predicted to be tolerated by in silico analysis. Based on the available evidence, the clinical significance of this variant remains unclear.

NM_000257.4(MYH7):c.1877G>A (p.Gly626Glu)

Gene: MYH7 (myosin heavy chain 7; minus strand). Cytogenetic location: 14q11.2.
Variant type: single nucleotide variant.
Coding change: c.1877G>A on transcript NM_000257.4 (MANE Select); coding-DNA position 1877, G replaced by A.
Protein change: p.Gly626Glu; replaces glycine 626 with glutamic acid.
Molecular consequence: missense variant.
Genome position (GRCh38, 1-based): chr14:23,427,596, C>T on the plus strand (G>A on the coding strand, the complement: MYH7 is on the minus strand). VCF-style: chr14-23427596-C-T. GRCh37 (hg19) VCF-style: chr14-23896805-C-T.
Other names: c.1877G>A, p.Gly626Glu (NM_001407004.1); short protein forms G626E.
Identifiers: ClinVar variation 3400932 (VCV003400932.1).